The following is an entry in ClinVar:

ClinVar aggregate classification (germline): Pathogenic. Review status: criteria provided, multiple submitters, no conflicts (2 of 4 stars). 2 submissions from 2 submitters: Pathogenic (2). Last evaluated 2024-04-24.

Conditions:
GNPTAB-mucolipidosis. Also called: UDP-N-acetylglucosamine-1-phosphotransferase subunit alpha/beta deficiency. Identifiers: MedGen CN322573, MONDO:0100122.
Mucolipidosis type II. Also called: Mucolipidosis 2; ML 2; Inclusion cell disease; Leroy Disease; N-acetylglucosamine 1phosphotransferase deficiency; ML disorder type 2. Identifiers: Orphanet 576, MedGen C2673377, MONDO:0009650, OMIM 252500.
Pseudo-Hurler polydystrophy. Also called: ML IIIA; Mucolipidosis III Alpha/Beta; MUCOLIPIDOSIS IIIA; ML III; ML III ALPHA/BETA; Type III Mucolipidosis. Identifiers: Orphanet 423461, Orphanet 577, MedGen C0033788, MONDO:0018931, OMIM 252600.

Allele frequency attached by ClinVar (database versions not stated): gnomAD exomes below 0.00001.

Submissions (2):

Myriad Genetics, Inc.
Classification: Pathogenic for GNPTAB-mucolipidosis. Last evaluated: 2024-04-24. Review status: criteria provided, single submitter. Criteria: Myriad Autosomal Dominant, Autosomal Recessive and X-Linked Classification Criteria (2023). Collection method: clinical testing. Allele origin: unknown.
Comment: NM_024312.4(GNPTAB):c.3345delC(M1116Wfs*10) is expected to be pathogenic in the context of GNPTAB-related disorders. This variant is predicted to lead to an abnormal or absent protein product due to the creation of a premature termination codon in GNPTAB, a gene where loss-of-function variants are known to be pathogenic. Please note: this variant was assessed in the context of healthy population screening.

Labcorp Genetics (formerly Invitae), Labcorp
Classification: Pathogenic for Pseudo-Hurler polydystrophy; Mucolipidosis type II. Last evaluated: 2020-07-30. Review status: criteria provided, single submitter. Criteria: Invitae Variant Classification Sherloc (09022015). Collection method: clinical testing. Allele origin: germline.
Comment: For these reasons, this variant has been classified as Pathogenic. Loss-of-function variants in GNPTAB are known to be pathogenic (PMID: 19617216, 25107912). This sequence change creates a premature translational stop signal (p.Met1116Trpfs*10) in the GNPTAB gene. It is expected to result in an absent or disrupted protein product. This variant is not present in population databases (ExAC no frequency). This variant has not been reported in the literature in individuals with GNPTAB-related conditions.

Literature cited by the submitters: PubMed 19617216 (cited by Labcorp Genetics (formerly Invitae), Labcorp); PubMed 25107912 (cited by Labcorp Genetics (formerly Invitae), Labcorp).

NM_024312.5(GNPTAB):c.3345del (p.Met1116fs)

Gene: GNPTAB (N-acetylglucosamine-1-phosphate transferase subunits alpha and beta; minus strand). Cytogenetic location: 12q23.2.
Variant type: Deletion.
Coding change: c.3345del on transcript NM_024312.5 (MANE Select); coding-DNA position 3345, one base deleted (C; older notation c.3345delC).
Protein change: p.Met1116fs; shifts the reading frame from methionine 1116.
Molecular consequence: frameshift variant.
Genome position (GRCh38, 1-based): chr12:101,757,301, G deleted on the plus strand (C on the coding strand, the reverse complement: GNPTAB is on the minus strand). VCF-style (leftmost placement, unchanged base first): chr12-101757300-TG-T. GRCh37 (hg19) VCF-style: chr12-102151078-TG-T.
Other names: short protein forms M1116fs.
Identifiers: ClinVar variation 1072933 (VCV001072933.8), dbSNP rs2137106725, ClinGen allele CA2499221379.